The following is an entry in ClinVar:

NM_000195.5(HPS1):c.769-1G>A

Gene: HPS1 (HPS1 biogenesis of lysosomal organelles complex 3 subunit 1; minus strand). Cytogenetic location: 10q24.2.
Variant type: single nucleotide variant.
Coding change: c.769-1G>A on transcript NM_000195.5 (MANE Select); the canonical splice acceptor site of the intron before coding-DNA position 769, G replaced by A.
Molecular consequence: splice acceptor variant. On other transcripts: intron variant (8).
Genome position (GRCh38, 1-based): chr10:98,429,890, C>T on the plus strand (G>A on the coding strand, the complement: HPS1 is on the minus strand). VCF-style: chr10-98429890-C-T. GRCh37 (hg19) VCF-style: chr10-100189647-C-T.
Other names: c.400-1G>A (NM_001322483.2, NM_001322484.2); c.508-1G>A (NM_001322480.2, NM_001322481.2); c.769-248G>A (NM_001322478.2, NM_001322479.2, NM_001322491.2); c.769-1G>A (NM_001322476.2, NM_001322477.2, NM_182639.4); c.400-248G>A (NM_001322485.2); c.508-248G>A (NM_001322482.2); c.-105-248G>A (NM_001322489.2, NM_001311345.2); c.-204-1G>A (NM_001322487.2); and 2 more.
Identifiers: ClinVar variation 2964236 (VCV002964236.3), dbSNP rs2538906060, ClinGen allele CA378051781.

ClinVar aggregate classification (germline): Likely pathogenic (1 of 4 stars; one submission).

Allele frequency attached by ClinVar (database versions not stated): gnomAD exomes 0.00001.
gnomAD v4.1: 11 of 1,609,776 alleles (0.00068%); highest among the groups gnomAD compares: South Asian, 0.0011%; no homozygotes.

Submission:

Labcorp Genetics (formerly Invitae), Labcorp
Classification: Likely pathogenic. Last evaluated: 2023-10-28. Review status: criteria provided, single submitter. Criteria: Invitae Variant Classification Sherloc (09022015). Collection method: clinical testing. Allele origin: germline.
Comment: This sequence change affects an acceptor splice site in intron 8 of the HPS1 gene. It is expected to disrupt RNA splicing. Variants that disrupt the donor or acceptor splice site typically lead to a loss of protein function (PMID: 16199547), and loss-of-function variants in HPS1 are known to be pathogenic (PMID: 12442288, 16185271). This variant is not present in population databases (gnomAD no frequency). This variant has not been reported in the literature in individuals affected with HPS1-related conditions. Algorithms developed to predict the effect of sequence changes on RNA splicing suggest that this variant may disrupt the consensus splice site. In summary, the currently available evidence indicates that the variant is pathogenic, but additional data are needed to prove that conclusively. Therefore, this variant has been classified as Likely Pathogenic.

Literature cited by the submitters: PubMed 16199547; PubMed 12442288; PubMed 16185271.